The following is an entry in ClinVar:

ClinVar aggregate classification (germline): Benign/Likely benign. Review status: criteria provided, multiple submitters, no conflicts (2 of 4 stars). 3 submissions from 3 submitters: Benign (2); Likely benign (1). Last evaluated 2026-01-15.

Conditions:
TWIST1-related craniosynostosis (CRS1). Also called: CRANIOSYNOSTOSIS 1. Identifiers: Orphanet 63440, MedGen C4551902, MONDO:0007399, OMIM 123100. Inheritance: Heterogenous inheritance pattern.
Saethre-Chotzen syndrome (SCS). Also called: ACROCEPHALY, SKULL ASYMMETRY, AND MILD SYNDACTYLY; ACS III; CHOTZEN SYNDROME. Identifiers: Orphanet 794, MedGen C0175699, MONDO:0007042, OMIM 101400.

Submissions (3):

Labcorp Genetics (formerly Invitae), Labcorp
Classification: Benign for TWIST1-related craniosynostosis; Saethre-Chotzen syndrome. Last evaluated: 2026-01-15. Review status: criteria provided, single submitter. Criteria: Invitae Variant Classification Sherloc (09022015). Collection method: clinical testing. Allele origin: germline.

GeneDx
Classification: Benign. Last evaluated: 2020-03-10. Review status: criteria provided, single submitter. Criteria: GeneDx Variant Classification Process June 2021. Collection method: clinical testing. Allele origin: germline. Affected: yes.
Comment: This variant is associated with the following publications: (PMID: 24166674, 15253176, 11748846, 24706433, 17343269, 16838304, 15880747)

PreventionGenetics, part of Exact Sciences
Classification: Likely benign. Review status: criteria provided, single submitter. Criteria: ACMG Guidelines, 2015. Collection method: clinical testing. Allele origin: germline.

NM_000474.4(TWIST1):c.259_276del (p.Ala87_Gly92del)

Gene: TWIST1 (twist family bHLH transcription factor 1; minus strand). Cytogenetic location: 7p21.1.
Variant type: Deletion.
Coding change: c.259_276del on transcript NM_000474.4 (MANE Select); coding-DNA positions 259 to 276, 18 bases deleted (GCGGGCGGCGGCGGCGGC).
Protein change: p.Ala87_Gly92del.
Molecular consequence: inframe deletion. On other transcripts: non-coding transcript variant (1).
Genome position (GRCh38, 1-based): chr7:19,117,046-19,117,063, GCCGCCGCCGCCGCCCGC deleted on the plus strand (GCGGGCGGCGGCGGCGGC on the coding strand, the reverse complement: TWIST1 is on the minus strand); deleting any 18 consecutive bases within chr7:19,117,046-19,117,078 gives the same sequence; the c. name uses the placement nearest the transcript's 3' end. VCF-style (leftmost placement, unchanged base first): chr7-19117045-TGCCGCCGCCGCCGCCCGC-T. GRCh37 (hg19) VCF-style: chr7-19156668-TGCCGCCGCCGCCGCCCGC-T.
Identifiers: ClinVar variation 256223 (VCV000256223.14), dbSNP rs544465774, ClinGen allele CA4174524.